The following is an entry in ClinVar:

ClinVar aggregate classification (germline): Uncertain significance (1 of 4 stars; one submission).

Submission:

Labcorp Genetics (formerly Invitae), Labcorp
Classification: Uncertain significance. Last evaluated: 2025-01-14. Review status: criteria provided, single submitter. Criteria: Invitae Variant Classification Sherloc (09022015). Collection method: clinical testing. Allele origin: germline.
Comment: This sequence change replaces tyrosine, which is neutral and polar, with asparagine, which is neutral and polar, at codon 474 of the GSN protein (p.Tyr474Asn). This variant is not present in population databases (gnomAD no frequency). This variant has not been reported in the literature in individuals affected with GSN-related conditions. Invitae Evidence Modeling of protein sequence and biophysical properties (such as structural, functional, and spatial information, amino acid conservation, physicochemical variation, residue mobility, and thermodynamic stability) indicates that this missense variant is expected to disrupt GSN protein function with a positive predictive value of 80%. In summary, the available evidence is currently insufficient to determine the role of this variant in disease. Therefore, it has been classified as a Variant of Uncertain Significance.

NM_198252.3(GSN):c.1267T>A (p.Tyr423Asn)

Gene: GSN (gelsolin; plus strand). Cytogenetic location: 9q33.2.
Variant type: single nucleotide variant.
Coding change: c.1267T>A on transcript NM_198252.3 (MANE Select); coding-DNA position 1267, T replaced by A.
Protein change: p.Tyr423Asn; replaces tyrosine 423 with asparagine.
Molecular consequence: missense variant.
Genome position (GRCh38, 1-based): chr9:121,321,343, T>A. VCF-style: chr9-121321343-T-A. GRCh37 (hg19) VCF-style: chr9-124083621-T-A.
Other names: c.1267T>A, p.Tyr423Asn (NM_001353059.2, NM_001353060.2, NM_001353061.2 and 10 more transcripts); c.1300T>A, p.Tyr434Asn (NM_001353063.2, NM_001353064.2, NM_001353065.2 and 13 more transcripts); c.1420T>A, p.Tyr474Asn (NM_000177.5); c.1375T>A, p.Tyr459Asn (NM_001127663.2); c.1318T>A, p.Tyr440Asn (NM_001258029.2); c.1291T>A, p.Tyr431Asn (NM_001258030.2); c.613T>A, p.Tyr205Asn (NM_001353078.2); c.1339T>A, p.Tyr447Asn (NM_001353076.2); short protein forms Y434N, Y459N, Y474N, Y423N, Y431N, Y447N, Y205N, Y440N.
Identifiers: ClinVar variation 3673117 (VCV003673117.2).